The following is an entry in ClinVar:

ClinVar aggregate classification (germline): Benign/Likely benign. Review status: criteria provided, multiple submitters, no conflicts (2 of 4 stars). 9 submissions from 9 submitters: Benign (4); Likely benign (4). 1 of the submissions does not count toward it. Last evaluated 2026-09-01.

Conditions:
Joubert syndrome 17 (JBTS17). Identifiers: Orphanet 475, MedGen C3553264, MONDO:0013824, OMIM 614615.

Allele frequency attached by ClinVar (database versions not stated): 1000 Genomes Project 0.00359; 1000 Genomes Project 30x 0.00359; ESP Exome Variant Server 0.00454; TOPMed 0.00576; gnomAD 0.00633 and 0.00645; ExAC 0.00708.
gnomAD v4.1: 11,574 of 1,614,242 alleles (0.72%); highest among the groups gnomAD compares: Middle Eastern, 6.4%; 88 homozygotes.

Submissions (9):

CeGaT Center for Human Genetics Tuebingen
Classification: Likely benign. Last evaluated: 2026-09-01. Review status: criteria provided, single submitter. Criteria: CeGaT Center For Human Genetics Tuebingen Variant Classification Criteria Version 2. Collection method: clinical testing. Allele origin: germline. Affected: yes. Observed: 36 variant alleles.
Comment: CPLANE1: BP4, BP7, BS2

Labcorp Genetics (formerly Invitae), Labcorp
Classification: Benign. Last evaluated: 2026-02-02. Review status: criteria provided, single submitter. Criteria: Invitae Variant Classification Sherloc (09022015). Collection method: clinical testing. Allele origin: germline.

Illumina Laboratory Services, Illumina
Classification: Likely benign for Joubert syndrome 17. Last evaluated: 2018-01-13. Review status: criteria provided, single submitter. Criteria: ICSL Variant Classification Criteria 13 December 2019. Collection method: clinical testing. Allele origin: germline.
Comment: This variant was observed in the ICSL laboratory as part of a predisposition screen in an ostensibly healthy population. It had not been previously curated by ICSL or reported in the Human Gene Mutation Database (HGMD: prior to June 1st, 2018), and was therefore a candidate for classification through an automated scoring system. Utilizing variant allele frequency, disease prevalence and penetrance estimates, and inheritance mode, an automated score was calculated to assess if this variant is too frequent to cause the disease. Based on the score and internal cut-off values, a variant classified as likely benign is not then subjected to further curation. The score for this variant resulted in a classification of likely benign for this disease.

GeneDx
Classification: Benign. Last evaluated: 2016-05-12. Review status: criteria provided, single submitter. Criteria: GeneDx Variant Classification (06012015). Collection method: clinical testing. Allele origin: germline. Affected: yes.
Comment: This variant is considered likely benign or benign based on one or more of the following criteria: it is a conservative change, it occurs at a poorly conserved position in the protein, it is predicted to be benign by multiple in silico algorithms, and/or has population frequency not consistent with disease.

Clinical Genetics DNA and cytogenetics Diagnostics Lab, Erasmus MC, Erasmus Medical Center
Classification: Likely benign for Joubert syndrome 17. Last evaluated: 2015-09-21. Review status: criteria provided, single submitter. Criteria: ACGS Guidelines, 2013. Collection method: clinical testing. Allele origin: germline. Affected: yes. Study: VKGL Data-share Consensus.

Eurofins Ntd Llc (ga)
Classification: Benign. Last evaluated: 2014-10-17. Review status: criteria provided, single submitter. Criteria: EGL Classification Definitions 2015. Collection method: clinical testing. Allele origin: germline. Observed: 1 variant allele, 1 heterozygote.

Breakthrough Genomics
Classification: Likely benign. Review status: criteria provided, single submitter. Criteria: ACMG Guidelines, 2015. Collection method: not provided. Allele origin: germline. Inheritance: Autosomal recessive inheritance. Affected: yes.

PreventionGenetics, part of Exact Sciences
Classification: Benign. Review status: criteria provided, single submitter. Criteria: ACMG Guidelines, 2015. Collection method: clinical testing. Allele origin: germline.

Clinical Genetics, Academic Medical Center
Classification: Benign. Review status: no assertion criteria provided. Collection method: clinical testing. Allele origin: germline. Affected: yes. Study: VKGL Data-share Consensus. Not counted in ClinVar's aggregate classification.

NM_001384732.1(CPLANE1):c.6957A>G (p.Gln2319=)

Gene: CPLANE1 (ciliogenesis and planar polarity effector complex subunit 1; minus strand). Cytogenetic location: 5p13.2.
Variant type: single nucleotide variant.
Coding change: c.6957A>G on transcript NM_001384732.1 (MANE Select); coding-DNA position 6957, A replaced by G.
Protein change: p.Gln2319=; no amino-acid change (glutamine 2319 retained).
Molecular consequence: synonymous variant.
Genome position (GRCh38, 1-based): chr5:37,169,067, T>C on the plus strand (A>G on the coding strand, the complement: CPLANE1 is on the minus strand). VCF-style: chr5-37169067-T-C. GRCh37 (hg19) VCF-style: chr5-37169169-T-C.
Other names: c.6957A>G, p.Gln2319= (NM_023073.4).
Identifiers: ClinVar variation 196922 (VCV000196922.51), dbSNP rs143147192, ClinGen allele CA202638.